The following is an entry in ClinVar:

NM_001754.5(RUNX1):c.968-9G>T

Gene: RUNX1 (RUNX family transcription factor 1; minus strand). Cytogenetic location: 21q22.12.
Variant type: single nucleotide variant.
Coding change: c.968-9G>T on transcript NM_001754.5 (MANE Select); 9 bases into the intron before coding-DNA position 968, G replaced by T.
Molecular consequence: intron variant.
Genome position (GRCh38, 1-based): chr21:34,792,619, C>A on the plus strand (G>T on the coding strand, the complement: RUNX1 is on the minus strand). VCF-style: chr21-34792619-C-A. GRCh37 (hg19) VCF-style: chr21-36164916-C-A.
Other names: c.887-9G>T (NM_001001890.3).
Identifiers: ClinVar variation 2860159 (VCV002860159.4), dbSNP rs1374004810, ClinGen allele CA638053818.

ClinVar aggregate classification (germline): Likely benign. Review status: reviewed by expert panel (3 of 4 stars). 2 submissions from 2 submitters: Likely benign (1). 1 of the submissions does not count toward it. Last evaluated 2024-11-04.

Conditions:
Hereditary thrombocytopenia and hematologic cancer predisposition syndrome. Identifiers: Orphanet 71290, MedGen CN281654, MONDO:0011071.
Hereditary thrombocytopenia and hematological cancer predisposition syndrome associated with RUNX1. Also called: Familial Platelet Disorder with Propensity to Acute Myelogenous Leukemia; Familial thrombocytopenia with propensity to acute myelogenous leukemia; PLATELET DISORDER, ASPIRIN-LIKE; RUNX1 Familial Platelet Disorder with Associated Myeloid Malignancies. Identifiers: Orphanet 71290, MedGen C1832388, MeSH C563324, MONDO:0100083, OMIM 601399.

gnomAD v4.1: 1 of 1,576,892 alleles (0.000063%); highest among the groups gnomAD compares: East Asian, 0.0023%; no homozygotes.

Submissions (2):

ClinGen Myeloid Malignancy Variant Curation Expert Panel
Classification: Likely benign for Hereditary thrombocytopenia and hematologic cancer predisposition syndrome. Last evaluated: 2024-11-04. Review status: reviewed by expert panel. Criteria: ClinGen MyeloMalig ACMG Specifications v2. Collection method: curation. Allele origin: germline. Inheritance: Autosomal dominant inheritance.
Comment: NM_001754.5(RUNX1):c.968-9G>T is an intronic variant. SpliceAI predicts no impact on splicing (score: 0.01), supporting BP4. Additionally, evolutionary conservation algorithms predict the site as not being conserved, with a PhyloP score of -4.717 (≤ 2.0), supporting BP7. In summary, this variant meets criteria to be classified as likely benign. ACMG/AMP criteria applied, as specified by the Myeloid Malignancy Variant Curation Expert Panel for RUNX1: BP4, BP7.

Labcorp Genetics (formerly Invitae), Labcorp
Classification: Likely benign for Hereditary thrombocytopenia and hematological cancer predisposition syndrome associated with RUNX1. Last evaluated: 2023-04-28. Review status: criteria provided, single submitter. Criteria: Invitae Variant Classification Sherloc (09022015). Collection method: clinical testing. Allele origin: germline. Not counted in ClinVar's aggregate classification.